The following is an entry in ClinVar:

NM_001082486.2(ACD):c.-9G>A

Gene: ACD (ACD shelterin complex subunit and telomerase recruitment factor; minus strand). Cytogenetic location: 16q22.1.
Variant type: single nucleotide variant.
Coding change: c.-9G>A on transcript NM_001082486.2 (MANE Select); 9 bases upstream of the start codon, G replaced by A.
Molecular consequence: 5 prime UTR variant.
Genome position (GRCh38, 1-based): chr16:67,660,229, C>T on the plus strand (G>A on the coding strand, the complement: ACD is on the minus strand). VCF-style: chr16-67660229-C-T. GRCh37 (hg19) VCF-style: chr16-67694132-C-T.
Other names: c.-9G>A (NM_001410884.1, NM_022914.3).
Identifiers: ClinVar variation 2624829 (VCV002624829.5), dbSNP rs377247506, ClinGen allele CA396359247.

ClinVar aggregate classification (germline): Uncertain significance. Review status: criteria provided, multiple submitters, no conflicts (2 of 4 stars). 2 submissions from 2 submitters: Uncertain significance (2). Last evaluated 2023-06-30.

Conditions:
Dyskeratosis congenita, autosomal dominant 6 (DKCA6). Identifiers: Orphanet 3322, MedGen C4225284, MONDO:0014690, OMIM 616553.
Inborn genetic diseases. Identifiers: MedGen C0950123, MeSH D030342.

gnomAD v4.1: 1 of 1,612,722 alleles (0.000062%); highest among the groups gnomAD compares: Non-Finnish European, 0.000085%; no homozygotes.

Submissions (2):

Ambry Genetics
Classification: Uncertain significance for Inborn genetic diseases. Last evaluated: 2023-06-30. Review status: criteria provided, single submitter. Criteria: Ambry Variant Classification Scheme 2023. Collection method: clinical testing. Allele origin: germline.
Comment: The p.A84T variant (also known as c.250G>A), located in coding exon 1 of the ACD gene, results from a G to A substitution at nucleotide position 250. The alanine at codon 84 is replaced by threonine, an amino acid with similar properties. This amino acid position is conserved. In addition, this alteration is predicted to be tolerated by in silico analysis. Since supporting evidence is limited at this time, the clinical significance of this alteration remains unclear.

Labcorp Genetics (formerly Invitae), Labcorp
Classification: Uncertain significance for Dyskeratosis congenita, autosomal dominant 6. Last evaluated: 2022-12-30. Review status: criteria provided, single submitter. Criteria: Invitae Variant Classification Sherloc (09022015). Collection method: clinical testing. Allele origin: germline.
Comment: This sequence change replaces alanine, which is neutral and non-polar, with threonine, which is neutral and polar, at codon 84 of the ACD protein (p.Ala84Thr). This variant is not present in population databases (gnomAD no frequency). This variant has not been reported in the literature in individuals affected with ACD-related conditions. Algorithms developed to predict the effect of missense changes on protein structure and function output the following: SIFT: "Deleterious"; PolyPhen-2: "Benign"; Align-GVGD: "Class C0". The threonine amino acid residue is found in multiple mammalian species, which suggests that this missense change does not adversely affect protein function. In summary, the available evidence is currently insufficient to determine the role of this variant in disease. Therefore, it has been classified as a Variant of Uncertain Significance.